The following is an entry in ClinVar:

NM_182914.3(SYNE2):c.18559C>T (p.His6187Tyr)

Gene: SYNE2 (spectrin repeat containing nuclear envelope protein 2; plus strand). Cytogenetic location: 14q23.2.
Variant type: single nucleotide variant.
Coding change: c.18559C>T on transcript NM_182914.3 (MANE Select); coding-DNA position 18559, C replaced by T.
Protein change: p.His6187Tyr; replaces histidine 6187 with tyrosine.
Molecular consequence: missense variant.
Genome position (GRCh38, 1-based): chr14:64,209,960, C>T. VCF-style: chr14-64209960-C-T. GRCh37 (hg19) VCF-style: chr14-64676678-C-T.
Other names: c.18559C>T, p.His6187Tyr (NM_015180.6); short protein forms H6187Y.
Identifiers: ClinVar variation 3699859 (VCV003699859.2).

ClinVar aggregate classification (germline): Uncertain significance (1 of 4 stars; one submission).

Conditions:
Emery-Dreifuss muscular dystrophy 5, autosomal dominant (EDMD5). Also called: EMERY-DREIFUSS MUSCULAR DYSTROPHY 5. Identifiers: Orphanet 261, MedGen C2751805, MONDO:0013072, OMIM 612999.

gnomAD v4.1: 3 of 1,614,112 alleles (0.00019%); highest among the groups gnomAD compares: Non-Finnish European, 0.00025%; no homozygotes.

Submission:

Labcorp Genetics (formerly Invitae), Labcorp
Classification: Uncertain significance for Emery-Dreifuss muscular dystrophy 5, autosomal dominant. Last evaluated: 2024-06-19. Review status: criteria provided, single submitter. Criteria: Invitae Variant Classification Sherloc (09022015). Collection method: clinical testing. Allele origin: germline.
Comment: This sequence change replaces histidine, which is basic and polar, with tyrosine, which is neutral and polar, at codon 6187 of the SYNE2 protein (p.His6187Tyr). This variant is present in population databases (rs773430274, gnomAD 0.0009%). This variant has not been reported in the literature in individuals affected with SYNE2-related conditions. An algorithm developed to predict the effect of missense changes on protein structure and function (PolyPhen-2) suggests that this variant is likely to be disruptive. In summary, the available evidence is currently insufficient to determine the role of this variant in disease. Therefore, it has been classified as a Variant of Uncertain Significance.